The following is an entry in ClinVar:

ClinVar aggregate classification (germline): Uncertain significance (1 of 4 stars; one submission).

gnomAD v4.1: 2 of 592,504 alleles (0.00034%); highest among the groups gnomAD compares: South Asian, 0.0033%; no homozygotes.

Submission:

Labcorp Genetics (formerly Invitae), Labcorp
Classification: Uncertain significance. Last evaluated: 2022-04-01. Review status: criteria provided, single submitter. Criteria: Invitae Variant Classification Sherloc (09022015). Collection method: clinical testing. Allele origin: germline.
Comment: This sequence change replaces alanine, which is neutral and non-polar, with serine, which is neutral and polar, at codon 315 of the RIN2 protein (p.Ala315Ser). This variant is not present in population databases (gnomAD no frequency). This variant has not been reported in the literature in individuals affected with RIN2-related conditions. Algorithms developed to predict the effect of missense changes on protein structure and function output the following: SIFT: "Tolerated"; PolyPhen-2: "Not Available"; Align-GVGD: "Class C0". The serine amino acid residue is found in multiple mammalian species, which suggests that this missense change does not adversely affect protein function. In summary, the available evidence is currently insufficient to determine the role of this variant in disease. Therefore, it has been classified as a Variant of Uncertain Significance.

NM_018993.4(RIN2):c.943G>T (p.Ala315Ser)

Gene: RIN2 (Ras and Rab interactor 2; plus strand). Cytogenetic location: 20p11.23.
Variant type: single nucleotide variant.
Coding change: c.943G>T on transcript NM_018993.4 (MANE Select); coding-DNA position 943, G replaced by T.
Protein change: p.Ala315Ser; replaces alanine 315 with serine.
Molecular consequence: missense variant.
Genome position (GRCh38, 1-based): chr20:19,974,968, G>T. VCF-style: chr20-19974968-G-T. GRCh37 (hg19) VCF-style: chr20-19955612-G-T.
Other names: c.1090G>T, p.Ala364Ser (NM_001242581.2); c.325G>T, p.Ala109Ser (NM_001378238.1); short protein forms A315S, A109S, A364S.
Identifiers: ClinVar variation 2120668 (VCV002120668.4), dbSNP rs374796899, ClinGen allele CA408361275.